The following is an entry in ClinVar:

ClinVar aggregate classification (germline): Benign/Likely benign. Review status: criteria provided, multiple submitters, no conflicts (2 of 4 stars). 3 submissions from 3 submitters: Benign (2); Likely benign (1). Last evaluated 2026-08-01.

Allele frequency attached by ClinVar (database versions not stated): ExAC 0.00083; ESP Exome Variant Server 0.00200; 1000 Genomes Project 0.00240; 1000 Genomes Project 30x 0.00265; TOPMed 0.00284.
gnomAD v4.1: 983 of 1,614,028 alleles (0.061%); highest among the groups gnomAD compares: African/African-American, 0.71%; 2 homozygotes.

Submissions (10):

CeGaT Center for Human Genetics Tuebingen
Classification: Likely benign. Last evaluated: 2026-08-01. Review status: criteria provided, single submitter. Criteria: CeGaT Center For Human Genetics Tuebingen Variant Classification Criteria Version 2. Collection method: clinical testing. Allele origin: germline. Affected: yes. Observed: 4 variant alleles.
Comment: COPB2: BP4, BP7

Labcorp Genetics (formerly Invitae), Labcorp
Classification: Benign. Last evaluated: 2026-01-26. Review status: criteria provided, single submitter. Criteria: Invitae Variant Classification Sherloc (09022015). Collection method: clinical testing. Allele origin: germline.

Breakthrough Genomics
Classification: Benign. Review status: criteria provided, single submitter. Criteria: ACMG Guidelines, 2015. Collection method: not provided. Allele origin: germline. Inheritance: Autosomal recessive inheritance. Affected: yes.

Dr. Peter K. Rogan Lab, Western University
No classification provided (evidence only). Condition: Familial cancer of breast. Review status: no classification provided. Collection method: in vitro. Allele origin: not applicable. Functional consequence: retained intron. Not counted in ClinVar's aggregate classification.

Dr. Peter K. Rogan Lab, Western University
No classification provided (evidence only). Condition: Familial cancer of breast. Review status: no classification provided. Collection method: in vitro. Allele origin: not applicable. Functional consequence: retained intron. Not counted in ClinVar's aggregate classification.

Dr. Peter K. Rogan Lab, Western University
No classification provided (evidence only). Condition: Thyroid cancer, nonmedullary, 1. Review status: no classification provided. Collection method: in vitro. Allele origin: not applicable. Functional consequence: retained intron. Not counted in ClinVar's aggregate classification.

Dr. Peter K. Rogan Lab, Western University
No classification provided (evidence only). Condition: Uterine corpus endometrial carcinoma. Review status: no classification provided. Collection method: in vitro. Allele origin: not applicable. Functional consequence: retained intron. Not counted in ClinVar's aggregate classification.

Dr. Peter K. Rogan Lab, Western University
No classification provided (evidence only). Condition: Uterine corpus endometrial carcinoma. Review status: no classification provided. Collection method: in vitro. Allele origin: not applicable. Functional consequence: retained intron. Not counted in ClinVar's aggregate classification.

Dr. Peter K. Rogan Lab, Western University
No classification provided (evidence only). Condition: Cervical cancer. Review status: no classification provided. Collection method: in vitro. Allele origin: not applicable. Functional consequence: retained intron. Not counted in ClinVar's aggregate classification.

Dr. Peter K. Rogan Lab, Western University
No classification provided (evidence only). Condition: Hepatocellular carcinoma. Review status: no classification provided. Collection method: in vitro. Allele origin: not applicable. Functional consequence: retained intron. Not counted in ClinVar's aggregate classification.

NM_004766.3(COPB2):c.2586G>A (p.Pro862=)

Gene: COPB2 (coat protein complex I subunit beta 2; minus strand). Cytogenetic location: 3q23.
Variant type: single nucleotide variant.
Coding change: c.2586G>A on transcript NM_004766.3 (MANE Select); coding-DNA position 2586, G replaced by A.
Protein change: p.Pro862=; no amino-acid change (proline 862 retained).
Molecular consequence: synonymous variant. On other transcripts: non-coding transcript variant (1).
Genome position (GRCh38, 1-based): chr3:139,358,239, C>T on the plus strand (G>A on the coding strand, the complement: COPB2 is on the minus strand). VCF-style: chr3-139358239-C-T. GRCh37 (hg19) VCF-style: chr3-139077081-C-T.
Identifiers: ClinVar variation 1622752 (VCV001622752.14), dbSNP rs141832843, ClinGen allele CA2640980.
Genomic context (GRCh38, chr3:139,358,239, plus strand): 5'-TGAGTATGATGTCTGACCTACCTTTTCTTCTTTGTTGGCTGTGTGGGAGGCCACAATAAC[C>T]GGAGTAGGAGAAGCAGGTTTCCCATCAAGTTCCTGAAACCACAAGTGAAGATATATATGA-3'
Protein context (NP_004757.1, residues 852-872): ELDGKPASPT[Pro862=]VIVASHTANK